The following is an entry in ClinVar:

ClinVar aggregate classification (germline): Likely benign. Review status: reviewed by expert panel (3 of 4 stars). 12 submissions from 11 submitters: Likely benign (1). 11 of the submissions do not count toward it. Last evaluated 2019-08-02.

Conditions:
Inborn genetic diseases. Identifiers: MedGen C0950123, MeSH D030342.
Acute myeloid leukemia (AML). Also called: Acute myeloid leukemia, adult; AML adult; Acute non-lymphocytic leukemia; Acute granulocytic leukemia; Leukemia, acute myelogenous, somatic; Leukemia, acute myeloid, somatic. Identifiers: Orphanet 519, MedGen C0023467, MeSH D015470, MONDO:0018874, OMIM 601626, HP:0004808. Disease mechanism: Constitutively activated FLT3.
Hereditary thrombocytopenia and hematological cancer predisposition syndrome associated with RUNX1. Also called: PLATELET DISORDER, ASPIRIN-LIKE; Familial Platelet Disorder with Propensity to Acute Myelogenous Leukemia; Familial thrombocytopenia with propensity to acute myelogenous leukemia; RUNX1 Familial Platelet Disorder with Associated Myeloid Malignancies. Identifiers: Orphanet 71290, MedGen C1832388, MeSH C563324, MONDO:0100083, OMIM 601399.
Hereditary cancer-predisposing syndrome. Also called: Tumor predisposition; Hereditary Cancer Syndrome; Neoplastic Syndromes, Hereditary; Hereditary neoplastic syndrome. Identifiers: Orphanet 140162, MedGen C0027672, MeSH D009386, MONDO:0015356.

Allele frequency attached by ClinVar (database versions not stated): ExAC 0.00031; gnomAD exomes 0.00038 and 0.00052; ESP Exome Variant Server 0.00046; gnomAD 0.00059 and 0.00063; TOPMed 0.00077; 1000 Genomes Project 30x 0.00078; 1000 Genomes Project 0.00080.
gnomAD v4.1: 686 of 1,612,622 alleles (0.043%); highest among the groups gnomAD compares: Middle Eastern, 0.31%; no homozygotes.

Submissions (12):

ClinGen Myeloid Malignancy Variant Curation Expert Panel
Classification: Likely benign for Familial platelet disorder with associated myeloid malignancy. Last evaluated: 2019-08-02. Review status: reviewed by expert panel. Criteria: ClinGen MyeloMalig ACMG Specifications v1. Collection method: curation. Allele origin: germline. Inheritance: Autosomal dominant inheritance.
Comment: The MAF of the synonymous variant, NM_001754.4:c.654C>T (p.Ser218=), is 0.00105 (0.1%, 36/34418 alleles) in the Latino subpopulation of the gnomAD cohort, which is between 0.00015 (0.015%) and 0.0015 (0.15%) (BS1). This synonymous variant is predicted by SSF and MES to lead to an increase in the canonical splice site score or a decrease of the canonical splice site score by no more than 10% AND no putative cryptic splice sites are created (BP4). In summary, this variant meets criteria to be classified as likely benign. ACMG/AMP criteria applied, as specified by the Myeloid Malignancy Variant Curation Expert Panel for RUNX1: BS1, BP4.

CeGaT Center for Human Genetics Tuebingen
Classification: Likely benign. Last evaluated: 2026-06-01. Review status: criteria provided, single submitter. Criteria: CeGaT Center For Human Genetics Tuebingen Variant Classification Criteria Version 2. Collection method: clinical testing. Allele origin: germline. Affected: yes. Observed: 1 variant allele. Not counted in ClinVar's aggregate classification.
Comment: RUNX1: BP4, BP7

Labcorp Genetics (formerly Invitae), Labcorp
Classification: Benign for Hereditary thrombocytopenia and hematological cancer predisposition syndrome associated with RUNX1. Last evaluated: 2026-01-05. Review status: criteria provided, single submitter. Criteria: Invitae Variant Classification Sherloc (09022015). Collection method: clinical testing. Allele origin: germline. Not counted in ClinVar's aggregate classification.

KCCC/NGS Laboratory, Kuwait Cancer Control Center
Classification: Benign for Hereditary thrombocytopenia and hematological cancer predisposition syndrome associated with RUNX1. Last evaluated: 2025-02-01. Review status: criteria provided, single submitter. Criteria: ACMG Guidelines, 2015. Collection method: clinical testing. Allele origin: germline. Affected: no. Not counted in ClinVar's aggregate classification.

Blueprint Genetics
Classification: Likely benign. Last evaluated: 2024-10-31. Review status: criteria provided, single submitter. Criteria: ACMG Guidelines, 2015. Collection method: clinical testing. Allele origin: germline. Not counted in ClinVar's aggregate classification.

Ambry Genetics
Classification: Likely benign for Inborn genetic diseases. Last evaluated: 2024-08-21. Review status: criteria provided, single submitter. Criteria: Ambry Variant Classification Scheme 2023. Collection method: clinical testing. Allele origin: germline. Not counted in ClinVar's aggregate classification.

KCCC/NGS Laboratory, Kuwait Cancer Control Center
Classification: Benign for Acute myeloid leukemia. Last evaluated: 2023-07-07. Review status: criteria provided, single submitter. Criteria: ACMG Guidelines, 2015. Collection method: clinical testing. Allele origin: germline. Affected: yes. Not counted in ClinVar's aggregate classification.

GeneDx
Classification: Likely benign. Last evaluated: 2021-04-30. Review status: criteria provided, single submitter. Criteria: GeneDx Variant Classification Process June 2021. Collection method: clinical testing. Allele origin: germline. Affected: yes. Not counted in ClinVar's aggregate classification.
Comment: This variant is associated with the following publications: (PMID: 27106701)

Sema4
Classification: Benign for Hereditary cancer-predisposing syndrome. Last evaluated: 2020-11-28. Review status: criteria provided, single submitter. Criteria: Sema4 Curation Guidelines. Collection method: curation. Allele origin: germline. Not counted in ClinVar's aggregate classification.

PreventionGenetics, part of Exact Sciences
Classification: Likely benign. Last evaluated: 2018-04-05. Review status: criteria provided, single submitter. Criteria: ACMG Guidelines, 2015. Collection method: clinical testing. Allele origin: germline. Not counted in ClinVar's aggregate classification.

Illumina Laboratory Services, Illumina
Classification: Benign for Hereditary thrombocytopenia and hematological cancer predisposition syndrome associated with RUNX1. Last evaluated: 2018-01-13. Review status: criteria provided, single submitter. Criteria: ICSL Variant Classification Criteria 13 December 2019. Collection method: clinical testing. Allele origin: germline. Not counted in ClinVar's aggregate classification.
Comment: This variant was observed in the ICSL laboratory as part of a predisposition screen in an ostensibly healthy population. It had not been previously curated by ICSL or reported in the Human Gene Mutation Database (HGMD: prior to June 1st, 2018), and was therefore a candidate for classification through an automated scoring system. Utilizing variant allele frequency, disease prevalence and penetrance estimates, and inheritance mode, an automated score was calculated to assess if this variant is too frequent to cause the disease. Based on the score and internal cut-off values, a variant classified as benign is not then subjected to further curation. The score for this variant resulted in a classification of benign for this disease.

Breakthrough Genomics
Classification: Likely benign. Review status: criteria provided, single submitter. Criteria: ACMG Guidelines, 2015. Collection method: not provided. Allele origin: germline. Inheritance: Autosomal dominant inheritance. Affected: yes. Not counted in ClinVar's aggregate classification.

Literature cited by the submitters: PubMed 27106701 (cited by Sema4).

NM_001754.5(RUNX1):c.654C>T (p.Ser218=)

Gene: RUNX1 (RUNX family transcription factor 1; minus strand). Cytogenetic location: 21q22.12.
Variant type: single nucleotide variant.
Coding change: c.654C>T on transcript NM_001754.5 (MANE Select); coding-DNA position 654, C replaced by T.
Protein change: p.Ser218=; no amino-acid change (serine 218 retained).
Molecular consequence: synonymous variant.
Genome position (GRCh38, 1-based): chr21:34,834,561, G>A on the plus strand (C>T on the coding strand, the complement: RUNX1 is on the minus strand). VCF-style: chr21-34834561-G-A. GRCh37 (hg19) VCF-style: chr21-36206858-G-A.
Other names: NM_001754.4(RUNX1):c.654C>T; c.573C>T, p.Ser191= (NM_001001890.3, NM_001122607.2).
Identifiers: ClinVar variation 239052 (VCV000239052.27), dbSNP rs145230602, ClinGen allele CA10014384.